The following is an entry in ClinVar:

ClinVar aggregate classification (germline): Uncertain significance. Review status: criteria provided, multiple submitters, no conflicts (2 of 4 stars). 2 submissions from 2 submitters: Uncertain significance (2). Last evaluated 2024-08-21.

Conditions:
D-2-hydroxyglutaric aciduria 2 (D2HGA2). Identifiers: Orphanet 79315, MedGen C3150909, MONDO:0013345, OMIM 613657.

Allele frequency attached by ClinVar (database versions not stated): gnomAD exomes below 0.00001.
gnomAD v4.1: 1 of 1,613,864 alleles (0.000062%); highest among the groups gnomAD compares: Non-Finnish European, 0.000085%; no homozygotes.

Submissions (2):

Clinical Genomics Laboratory, Washington University in St. Louis
Classification: Uncertain significance for D-2-hydroxyglutaric aciduria 2. Last evaluated: 2024-08-21. Review status: criteria provided, single submitter. Criteria: ACMG Guidelines, 2015. Collection method: clinical testing. Allele origin: germline.
Comment: The IDH2 c.1178G>A (p.Arg393Lys) variant was identified at a near heterozygous allelic fraction of 47.8%, a frequency which may be consistent with it being of germline origin. This variant, to our knowledge, has not been reported in the medical literature. This variant is only observed on 1/1,613,864 alleles in the general population (gnomAD v.4.1.0), indicating it is not a common variant. This variant has been reported in the ClinVar database as a variant of uncertain significance by one submitter (ClinVar ID: 1406554). Computational predictors suggest that the variant does not impact IDH2 function. Due to limited information and based on ACMG/AMP guidelines for variant interpretation (Richards S et al., PMID: 25741868), the clinical significance of the IDH2 c.1178G>A (p.Arg393Lys) variant is uncertain at this time.

Labcorp Genetics (formerly Invitae), Labcorp
Classification: Uncertain significance for D-2-hydroxyglutaric aciduria 2. Last evaluated: 2021-12-30. Review status: criteria provided, single submitter. Criteria: Invitae Variant Classification Sherloc (09022015). Collection method: clinical testing. Allele origin: germline.
Comment: This variant has not been reported in the literature in individuals affected with IDH2-related conditions. In summary, the available evidence is currently insufficient to determine the role of this variant in disease. Therefore, it has been classified as a Variant of Uncertain Significance. Variants that disrupt the consensus splice site are a relatively common cause of aberrant splicing (PMID: 17576681, 9536098). Algorithms developed to predict the effect of sequence changes on RNA splicing suggest that this variant may disrupt the consensus splice site. Algorithms developed to predict the effect of missense changes on protein structure and function output the following: SIFT: "Tolerated"; PolyPhen-2: "Benign"; Align-GVGD: "Class C0". The lysine amino acid residue is found in multiple mammalian species, which suggests that this missense change does not adversely affect protein function. This variant is not present in population databases (gnomAD no frequency). This sequence change replaces arginine, which is basic and polar, with lysine, which is basic and polar, at codon 393 of the IDH2 protein (p.Arg393Lys). This variant also falls at the last nucleotide of exon 9, which is part of the consensus splice site for this exon.

Literature cited by the submitters: PubMed 17576681 (cited by Labcorp Genetics (formerly Invitae), Labcorp); PubMed 9536098 (cited by Labcorp Genetics (formerly Invitae), Labcorp).

NM_002168.4(IDH2):c.1178G>A (p.Arg393Lys)

Gene: IDH2 (isocitrate dehydrogenase (NADP(+)) 2; minus strand). Cytogenetic location: 15q26.1.
Variant type: single nucleotide variant.
Coding change: c.1178G>A on transcript NM_002168.4 (MANE Select); coding-DNA position 1178, G replaced by A.
Protein change: p.Arg393Lys; replaces arginine 393 with lysine.
Molecular consequence: missense variant.
Genome position (GRCh38, 1-based): chr15:90,085,001, C>T on the plus strand (G>A on the coding strand, the complement: IDH2 is on the minus strand). VCF-style: chr15-90085001-C-T. GRCh37 (hg19) VCF-style: chr15-90628233-C-T.
Other names: c.1022G>A, p.Arg341Lys (NM_001289910.1); c.788G>A, p.Arg263Lys (NM_001290114.2); short protein forms R263K, R393K, R341K.
Identifiers: ClinVar variation 1406554 (VCV001406554.7), dbSNP rs1340166037, ClinGen allele CA393818462.
Genomic context (GRCh38, chr15:90,085,001, plus strand): 5'-GTGCAAGGGCAGGACCCAGAGCCTGTCCTGGGCAGCTCCGGCCTCTCCCTCCATGCTCAC[C>T]TGATGAGGTCTTGGTTCCCATCCAGCTTCCCCCGGTGCTCCAGGCCACGTGTCCAGGCAA-3'
Protein context (NP_002159.2, residues 383-403): GKLDGNQDLI[Arg393Lys]FAQMLEKVCV